The following is an entry in ClinVar:

ClinVar aggregate classification (germline): Uncertain significance (1 of 4 stars; one submission).

Conditions:
Immunodeficiency. Identifiers: MedGen C0021051, MONDO:0021094, HP:0002721.

Allele frequency attached by ClinVar (database versions not stated): TOPMed below 0.00001; 1000 Genomes Project 30x 0.00016.

Submission:

Labcorp Genetics (formerly Invitae), Labcorp
Classification: Uncertain significance for Immunodeficiency. Last evaluated: 2022-08-06. Review status: criteria provided, single submitter. Criteria: Invitae Variant Classification Sherloc (09022015). Collection method: clinical testing. Allele origin: germline.
Comment: Algorithms developed to predict the effect of missense changes on protein structure and function are either unavailable or do not agree on the potential impact of this missense change (SIFT: "Tolerated"; PolyPhen-2: "Probably Damaging"; Align-GVGD: "Class C0"). This variant has not been reported in the literature in individuals affected with NFAT5-related conditions. This variant is not present in population databases (gnomAD no frequency). This sequence change replaces glycine, which is neutral and non-polar, with arginine, which is basic and polar, at codon 939 of the NFAT5 protein (p.Gly939Arg). In summary, the available evidence is currently insufficient to determine the role of this variant in disease. Therefore, it has been classified as a Variant of Uncertain Significance.

NM_138713.4(NFAT5):c.3097G>A (p.Gly1033Arg)

Gene: NFAT5 (nuclear factor of activated T cells 5; plus strand). Cytogenetic location: 16q22.1.
Variant type: single nucleotide variant.
Coding change: c.3097G>A on transcript NM_138713.4 (MANE Select); coding-DNA position 3097, G replaced by A.
Protein change: p.Gly1033Arg; replaces glycine 1033 with arginine.
Molecular consequence: missense variant.
Genome position (GRCh38, 1-based): chr16:69,692,922, G>A. VCF-style: chr16-69692922-G-A. GRCh37 (hg19) VCF-style: chr16-69726825-G-A.
Other names: c.3094G>A, p.Gly1032Arg (NM_001113178.3); c.2422G>A, p.Gly808Arg (NM_001367709.1); c.3043G>A, p.Gly1015Arg (NM_006599.4); c.2815G>A, p.Gly939Arg (NM_138714.4, NM_173214.3, NM_173215.3); short protein forms G1015R, G808R, G1033R, G939R, G1032R.
Identifiers: ClinVar variation 1987782 (VCV001987782.4), dbSNP rs1376656674, ClinGen allele CA396512242.